The following is an entry in ClinVar:

ClinVar aggregate classification (germline): Uncertain significance (1 of 4 stars; one submission).

Conditions:
Hereditary cancer-predisposing syndrome. Also called: Hereditary Cancer Syndrome; Neoplastic Syndromes, Hereditary; Tumor predisposition; Hereditary neoplastic syndrome. Identifiers: Orphanet 140162, MedGen C0027672, MeSH D009386, MONDO:0015356.

Submission:

Ambry Genetics
Classification: Uncertain significance for Hereditary cancer-predisposing syndrome. Last evaluated: 2020-09-25. Review status: criteria provided, single submitter. Criteria: Ambry Variant Classification Scheme 2023. Collection method: clinical testing. Allele origin: germline.
Comment: The p.I1711V variant (also known as c.5131A>G), located in coding exon 23 of the DICER1 gene, results from an A to G substitution at nucleotide position 5131. The isoleucine at codon 1711 is replaced by valine, an amino acid with highly similar properties. This amino acid position is highly conserved in available vertebrate species. This missense alteration is located in a region that has a low rate of benign missense variation (Lek M et al. Nature. 2016 Aug 18;536(7616):285-91; DECIPHER: Database of Chromosomal Imbalance and Phenotype in Humans using Ensembl Resources. Firth H.V. et al. 2009. Am.J.Hum.Genet. 84, 524-533 (DOI)). In addition, this alteration is predicted to be tolerated by in silico analysis. Since supporting evidence is limited at this time, the clinical significance of this alteration remains unclear.

NM_177438.3(DICER1):c.5131A>G (p.Ile1711Val)

Gene: DICER1 (dicer 1, ribonuclease III; minus strand). Cytogenetic location: 14q32.13.
Variant type: single nucleotide variant.
Coding change: c.5131A>G on transcript NM_177438.3 (MANE Select); coding-DNA position 5131, A replaced by G.
Protein change: p.Ile1711Val; replaces isoleucine 1711 with valine.
Molecular consequence: missense variant. On other transcripts: non-coding transcript variant (6).
Genome position (GRCh38, 1-based): chr14:95,094,121, T>C on the plus strand (A>G on the coding strand, the complement: DICER1 is on the minus strand). VCF-style: chr14-95094121-T-C. GRCh37 (hg19) VCF-style: chr14-95560458-T-C.
Other names: c.5131A>G, p.Ile1711Val (NM_001195573.1, NM_001271282.3, NM_001291628.2 and 9 more transcripts); c.4849A>G, p.Ile1617Val (NM_001395686.1); c.4726A>G, p.Ile1576Val (NM_001395687.1, NM_001395688.1, NM_001395689.1 and 1 more transcripts); c.4564A>G, p.Ile1522Val (NM_001395691.1); c.3448A>G, p.Ile1150Val (NM_001395697.1); short protein forms I1150V, I1576V, I1522V, I1617V, I1711V.
Identifiers: ClinVar variation 1745551 (VCV001745551.2), dbSNP rs2139815677, ClinGen allele CA390865381.